The following is an entry in ClinVar:

NM_001142784.3(IL11RA):c.662C>G (p.Pro221Arg)

Gene: IL11RA (interleukin 11 receptor subunit alpha; plus strand). Cytogenetic location: 9p13.3.
Variant type: single nucleotide variant.
Coding change: c.662C>G on transcript NM_001142784.3 (MANE Select); coding-DNA position 662, C replaced by G.
Protein change: p.Pro221Arg; replaces proline 221 with arginine.
Molecular consequence: missense variant. On other transcripts: non-coding transcript variant (1).
Genome position (GRCh38, 1-based): chr9:34,658,535, C>G. VCF-style: chr9-34658535-C-G. GRCh37 (hg19) VCF-style: chr9-34658532-C-G.
Other names: c.662C>G (NM_001142784.2); short protein forms P221R.
Identifiers: ClinVar variation 30137 (VCV000030137.6), dbSNP rs387906785, ClinGen allele CA128969.

ClinVar aggregate classification (germline): Likely pathogenic. Review status: criteria provided, multiple submitters, no conflicts (2 of 4 stars). 3 submissions from 3 submitters: Likely pathogenic (2). 1 of the submissions does not count toward it. Last evaluated 2025-07-09.

Conditions:
Craniosynostosis and dental anomalies (CRSDA). Also called: KREIBORG-PAKISTANI SYNDROME. Identifiers: Orphanet 284149, MedGen C3280073, MONDO:0013615, OMIM 614188.

Allele frequency attached by ClinVar (database versions not stated): ExAC 0.00001; gnomAD exomes 0.00001.
gnomAD v4.1: 10 of 1,614,194 alleles (0.00062%); highest among the groups gnomAD compares: South Asian, 0.0099%; no homozygotes.

Submissions (3):

First Genomix Gene Laboratory, Genetic Diagnostics Department
Classification: Likely pathogenic for Craniosynostosis and dental anomalies. Last evaluated: 2025-07-09. Review status: criteria provided, single submitter. Criteria: ACMG Guidelines, 2015. Collection method: clinical testing. Allele origin: germline. Inheritance: Autosomal recessive inheritance. Affected: no. Observed: 1 variant allele.

Revvity Omics, Revvity
Classification: Likely pathogenic for Craniosynostosis and dental anomalies. Last evaluated: 2022-06-22. Review status: criteria provided, single submitter. Criteria: ACMG Guidelines, 2015. Collection method: clinical testing. Allele origin: germline.

OMIM
Classification: Pathogenic for CRANIOSYNOSTOSIS AND DENTAL ANOMALIES. Last evaluated: 2011-07-15. Review status: no assertion criteria provided. Collection method: literature only. Allele origin: germline. Not counted in ClinVar's aggregate classification.

Literature cited by the submitters: PubMed 21741611 (cited by OMIM).